The following is an entry in ClinVar:

ClinVar aggregate classification (germline): Uncertain significance (1 of 4 stars; one submission).

Conditions:
Inborn genetic diseases. Identifiers: MedGen C0950123, MeSH D030342.

Submission:

Ambry Genetics
Classification: Uncertain significance for Inborn genetic diseases. Last evaluated: 2024-09-03. Review status: criteria provided, single submitter. Criteria: Ambry Variant Classification Scheme 2023. Collection method: clinical testing. Allele origin: germline.
Comment: The c.612_614delGTA (p.Q204_Y205delinsH) alteration is located in exon 5 (coding exon 5) of the SZT2 gene. This alteration consists of an in-frame deletion of 3 nucleotides between nucleotide positions c.612 and c.614, resulting in the deletion of 1 residue. Based on insufficient or conflicting evidence, the clinical significance of this alteration remains unclear.

NM_001365999.1(SZT2):c.612_614del (p.Gln204_Tyr205delinsHis)

Gene: SZT2 (SZT2 subunit of KICSTOR complex; plus strand). Cytogenetic location: 1p34.2.
Variant type: Deletion.
Coding change: c.612_614del on transcript NM_001365999.1 (MANE Select); coding-DNA positions 612 to 614, 3 bases deleted (GTA; older notation c.612_614delGTA).
Protein change: p.Gln204_Tyr205delinsHis.
Molecular consequence: inframe indel.
Genome position (GRCh38, 1-based): chr1:43,415,195-43,415,197, GTA deleted; deleting any 3 consecutive bases within chr1:43,415,194-43,415,197 gives the same sequence; the c. name uses the placement nearest the transcript's 3' end. VCF-style (leftmost placement, unchanged base first): chr1-43415193-CAGT-C. GRCh37 (hg19) VCF-style: chr1-43880864-CAGT-C.
Other names: c.612_614del, p.Gln204_Tyr205delinsHis (NM_015284.4).
Identifiers: ClinVar variation 3452342 (VCV003452342.1).